The following is an entry in ClinVar:

NM_201525.4(ADGRG1):c.286C>T (p.Arg96Ter)

Gene: ADGRG1 (adhesion G protein-coupled receptor G1; plus strand). Cytogenetic location: 16q21.
Variant type: single nucleotide variant.
Coding change: c.286C>T on transcript NM_201525.4 (MANE Select); coding-DNA position 286, C replaced by T.
Protein change: p.Arg96Ter; replaces arginine 96 with a stop codon.
Molecular consequence: nonsense. On other transcripts: 5 prime UTR variant (5), intron variant (1).
Genome position (GRCh38, 1-based): chr16:57,651,421, C>T. VCF-style: chr16-57651421-C-T. GRCh37 (hg19) VCF-style: chr16-57685333-C-T.
Other names: c.286C>T, p.Arg96Ter (NM_001145770.3, NM_001145771.3, NM_001145772.3 and 16 more transcripts); c.301C>T, p.Arg101Ter (NM_001145773.3, NM_001370433.1); c.-240C>T (NM_001290143.2, NM_001290144.2, NM_001370451.1 and 2 more transcripts); c.130C>T, p.Arg44Ter (NM_001370442.1); c.110+176C>T (NM_001290142.2); short protein forms R96*, R101*, R44*.
Identifiers: ClinVar variation 158629 (VCV000158629.26), dbSNP rs146278035, ClinGen allele CA271540.

ClinVar aggregate classification (germline): Pathogenic/Likely pathogenic. Review status: criteria provided, multiple submitters, no conflicts (2 of 4 stars). 9 submissions from 9 submitters: Pathogenic (4); Likely pathogenic (5). Last evaluated 2025-07-09.

Conditions:
ADGRG1-related disorder. Also called: ADGRG1-related condition.
Inborn genetic diseases. Identifiers: MedGen C0950123, MeSH D030342.
Bilateral frontoparietal polymicrogyria. Also called: CORTICAL DYSPLASIA, COMPLEX, WITH OTHER BRAIN MALFORMATIONS 14A (BILATERAL FRONTOPARIETAL); CEREBELLAR ATAXIA WITH NEURONAL MIGRATION DEFECT. Identifiers: Orphanet 101070, MedGen C1847352, MONDO:0011738, OMIM 606854.
Polymicrogyria, bilateral perisylvian, autosomal recessive (CDCBM14B). Also called: CORTICAL DYSPLASIA, COMPLEX, WITH OTHER BRAIN MALFORMATIONS 14B (BILATERAL PERISYLVIAN). Identifiers: MedGen C3810405, MONDO:0014333, OMIM 615752.

Allele frequency attached by ClinVar (database versions not stated): gnomAD exomes below 0.00001 and 0.00001; ExAC 0.00001; gnomAD 0.00001; TOPMed 0.00001; 1000 Genomes Project 30x 0.00016; 1000 Genomes Project 0.00020.

Submissions (9):

First Genomix Gene Laboratory, Genetic Diagnostics Department
Classification: Pathogenic for Bilateral frontoparietal polymicrogyria; Polymicrogyria, bilateral perisylvian, autosomal recessive. Last evaluated: 2025-07-09. Review status: criteria provided, single submitter. Criteria: ACMG Guidelines, 2015. Collection method: clinical testing. Allele origin: germline. Inheritance: Autosomal recessive inheritance. Affected: no. Observed: 1 variant allele.

Natera, Inc.
Classification: Likely pathogenic for Bilateral frontoparietal polymicrogyria. Last evaluated: 2025-04-21. Review status: criteria provided, single submitter. Criteria: Natera Variant Classification Schema (03/2026). Collection method: clinical testing. Allele origin: germline.
Comment: The c.286C>T variant in ADGRG1 is a nonsense variant predicted to introduce a stop codon at amino acid 96. This variant is expected to result in nonsense mediated decay, truncation, or a dysfunctional protein product. This variant is rare in the general population with a frequency below the threshold expected for the associated phenotype(s). Given the available evidence, this variant is classified as Likely Pathogenic.

Blueprint Genetics
Classification: Likely pathogenic for ADGRG1-related disorders. Last evaluated: 2024-10-14. Review status: criteria provided, single submitter. Criteria: ACMG Guidelines, 2015. Collection method: clinical testing. Allele origin: germline. Affected: yes. Observed: 2 variant alleles.

Labcorp Genetics (formerly Invitae), Labcorp
Classification: Pathogenic. Last evaluated: 2024-01-30. Review status: criteria provided, single submitter. Criteria: Invitae Variant Classification Sherloc (09022015). Collection method: clinical testing. Allele origin: germline.
Comment: This sequence change creates a premature translational stop signal (p.Arg96*) in the ADGRG1 gene. It is expected to result in an absent or disrupted protein product. Loss-of-function variants in ADGRG1 are known to be pathogenic (PMID: 15044805, 20929962). This variant is present in population databases (rs146278035, gnomAD 0.008%). This variant has not been reported in the literature in individuals affected with ADGRG1-related conditions. ClinVar contains an entry for this variant (Variation ID: 158629). For these reasons, this variant has been classified as Pathogenic.

Revvity Omics, Revvity
Classification: Likely pathogenic. Last evaluated: 2022-03-23. Review status: criteria provided, single submitter. Criteria: ACMG Guidelines, 2015. Collection method: clinical testing. Allele origin: germline.

Institute of Human Genetics, University of Leipzig Medical Center
Classification: Likely pathogenic for Bilateral frontoparietal polymicrogyria. Last evaluated: 2019-02-08. Review status: criteria provided, single submitter. Criteria: ACMG Guidelines, 2015. Collection method: clinical testing. Allele origin: germline. Affected: yes. Observed: 1 variant allele.

Ambry Genetics
Classification: Pathogenic for Inborn genetic diseases. Last evaluated: 2015-11-17. Review status: criteria provided, single submitter. Criteria: Ambry exome assertion method (8-5-2015). Collection method: clinical testing. Allele origin: germline. Affected: yes. Observed: 1 variant allele.

Genetic Services Laboratory, University of Chicago
Classification: Pathogenic for Polymicrogyria, bilateral frontoparietal. Last evaluated: 2013-02-08. Review status: criteria provided, single submitter. Criteria: ACMG Guidelines, 2007. Collection method: clinical testing. Allele origin: germline. Inheritance: Autosomal recessive inheritance. Affected: yes.

Neuberg Centre For Genomic Medicine, NCGM
Classification: Likely pathogenic for Bilateral frontoparietal polymicrogyria. Review status: criteria provided, single submitter. Criteria: ACMG Guidelines, 2015. Collection method: clinical testing. Allele origin: germline. Inheritance: Autosomal recessive inheritance. Affected: yes.
Comment: The stop gained c.286C>T(p.Arg96Ter) variant in ADGRG1 gene has been reported previously in ClinVar database as Likely pathogenic/Pathogenic (multiple submissions). The variant is reported with an allele frequency of 0.0004% in the gnomAD exomes database and is novel (not in any individuals) in 1000 Genomes database. The nucleotide change c.286C>T in ADGRG1 is predicted as conserved by GERP++ and PhyloP across 100 vertebrates. This variant is predicted to cause loss of normal protein function through protein truncation. Loss of function variants have been previously reported to be disease causing. Functional studies are required to prove pathogenicity of the variant. For these reasons, this variant has been classified as Likely Pathogenic.

Literature cited by the submitters: PubMed 15044805 (cited by Labcorp Genetics (formerly Invitae), Labcorp); PubMed 20929962 (cited by Labcorp Genetics (formerly Invitae), Labcorp).